The following is an entry in ClinVar:

ClinVar aggregate classification (germline): Likely pathogenic (1 of 4 stars; one submission).

Submission:

Labcorp Genetics (formerly Invitae), Labcorp
Classification: Likely pathogenic. Last evaluated: 2023-11-07. Review status: criteria provided, single submitter. Criteria: Invitae Variant Classification Sherloc (09022015). Collection method: clinical testing. Allele origin: germline.
Comment: This sequence change replaces glycine, which is neutral and non-polar, with serine, which is neutral and polar, at codon 627 of the COL2A1 protein (p.Gly627Ser). This variant is not present in population databases (gnomAD no frequency). This variant has not been reported in the literature in individuals affected with COL2A1-related conditions. Advanced modeling of protein sequence and biophysical properties (such as structural, functional, and spatial information, amino acid conservation, physicochemical variation, residue mobility, and thermodynamic stability) performed at Invitae indicates that this missense variant is expected to disrupt COL2A1 protein function with a positive predictive value of 95%. This variant disrupts the triple helix domain of COL2A1. Glycine residues within the Gly-Xaa-Yaa repeats of the triple helix domain are required for the structure and stability of fibrillar collagens (PMID: 7695699, 8218237, 19344236). In COL2A1, variants affecting these glycine residues are significantly enriched in individuals with disease (PMID: 9016532, 17078022) compared to the general population (ExAC). In summary, the currently available evidence indicates that the variant is pathogenic, but additional data are needed to prove that conclusively. Therefore, this variant has been classified as Likely Pathogenic.

Literature cited by the submitters: PubMed 7695699; PubMed 8218237; PubMed 19344236; PubMed 9016532; PubMed 17078022.

NM_001844.5(COL2A1):c.1879G>A (p.Gly627Ser)

Gene: COL2A1 (collagen type II alpha 1 chain; minus strand). Cytogenetic location: 12q13.11.
Variant type: single nucleotide variant.
Coding change: c.1879G>A on transcript NM_001844.5 (MANE Select); coding-DNA position 1879, G replaced by A.
Protein change: p.Gly627Ser; replaces glycine 627 with serine.
Molecular consequence: missense variant.
Genome position (GRCh38, 1-based): chr12:47,984,554, C>T on the plus strand (G>A on the coding strand, the complement: COL2A1 is on the minus strand). VCF-style: chr12-47984554-C-T. GRCh37 (hg19) VCF-style: chr12-48378337-C-T.
Other names: c.1672G>A, p.Gly558Ser (NM_033150.3); short protein forms G558S, G627S.
Identifiers: ClinVar variation 2724086 (VCV002724086.3), dbSNP rs2540143151, ClinGen allele CA384549313.